The following is an entry in ClinVar:

NM_001042492.3(NF1):c.2432C>T (p.Thr811Ile)

Gene: NF1 (neurofibromin 1; plus strand). Cytogenetic location: 17q11.2.
Variant type: single nucleotide variant.
Coding change: c.2432C>T on transcript NM_001042492.3 (MANE Select); coding-DNA position 2432, C replaced by T.
Protein change: p.Thr811Ile; replaces threonine 811 with isoleucine.
Molecular consequence: missense variant.
Genome position (GRCh38, 1-based): chr17:31,229,047, C>T. VCF-style: chr17-31229047-C-T. GRCh37 (hg19) VCF-style: chr17-29556065-C-T.
Other names: c.2432C>T, p.Thr811Ile (NM_000267.4); short protein forms T811I.
Identifiers: ClinVar variation 3634512 (VCV003634512.2).

ClinVar aggregate classification (germline): Uncertain significance (1 of 4 stars; one submission).

Conditions:
Neurofibromatosis, type 1 (NF1). Also called: VON RECKLINGHAUSEN DISEASE; Peripheral type neurofibromatosis; NEUROFIBROMATOSIS, TYPE I, SOMATIC; Neurofibromatosis, type I. Identifiers: Orphanet 636, MedGen C0027831, MONDO:0018975, OMIM 162200. Disease mechanism: loss of function.

Submission:

Labcorp Genetics (formerly Invitae), Labcorp
Classification: Uncertain significance for Neurofibromatosis, type 1. Last evaluated: 2024-11-26. Review status: criteria provided, single submitter. Criteria: Invitae Variant Classification Sherloc (09022015). Collection method: clinical testing. Allele origin: germline.
Comment: This sequence change replaces threonine, which is neutral and polar, with isoleucine, which is neutral and non-polar, at codon 811 of the NF1 protein (p.Thr811Ile). This variant is not present in population databases (gnomAD no frequency). This variant has not been reported in the literature in individuals affected with NF1-related conditions. Invitae Evidence Modeling of protein sequence and biophysical properties (such as structural, functional, and spatial information, amino acid conservation, physicochemical variation, residue mobility, and thermodynamic stability) indicates that this missense variant is not expected to disrupt NF1 protein function with a negative predictive value of 95%. In summary, the available evidence is currently insufficient to determine the role of this variant in disease. Therefore, it has been classified as a Variant of Uncertain Significance.